The following is an entry in ClinVar:

NM_001378743.1(CYLD):c.2251dup (p.Cys751fs)

Genes: CYLD (CYLD lysine 63 deubiquitinase; plus strand), CYLD-AS2 (CYLD antisense RNA 2; minus strand). Cytogenetic location: 16q12.1.
Variant type: Duplication.
Coding change: c.2251dup on transcript NM_001378743.1 (MANE Select); coding-DNA position 2251, one base duplicated (T; older notation c.2251dupT).
Protein change: p.Cys751fs; shifts the reading frame from cysteine 751.
Molecular consequence: frameshift variant. On other transcripts: non-coding transcript variant (1).
Genome position (GRCh38, 1-based): chr16:50,792,606, T duplicated. VCF-style (leftmost placement, unchanged base first): chr16-50792605-A-AT. GRCh37 (hg19) VCF-style: chr16-50826516-A-AT.
Other names: c.2242dup, p.Cys748fs (NM_001042355.2, NM_001042412.3, NM_001378744.1 and 6 more transcripts); c.2212dup, p.Cys738fs (NM_001378751.1, NM_001378752.1, NM_001378753.1); c.1576dup, p.Cys526fs (NM_001378754.1, NM_001378755.1); c.2251dup, p.Cys751fs (NM_015247.3); short protein forms C738fs, C748fs, C751fs, C526fs.
Identifiers: ClinVar variation 4715931 (VCV004715931.1).

ClinVar aggregate classification (germline): Pathogenic (1 of 4 stars; one submission).

Submission:

Labcorp Genetics (formerly Invitae), Labcorp
Classification: Pathogenic. Last evaluated: 2025-03-25. Review status: criteria provided, single submitter. Criteria: Invitae Variant Classification Sherloc (09022015). Collection method: clinical testing. Allele origin: germline.
Comment: This sequence change creates a premature translational stop signal (p.Cys751Leufs*14) in the CYLD gene. It is expected to result in an absent or disrupted protein product. Loss-of-function variants in CYLD are known to be pathogenic (PMID: 19462465). This variant is not present in population databases (gnomAD no frequency). This variant has not been reported in the literature in individuals affected with CYLD-related conditions. For these reasons, this variant has been classified as Pathogenic.

Literature cited by the submitters: PubMed 19462465.